The following is an entry in ClinVar:

ClinVar aggregate classification (germline): Conflicting classifications of pathogenicity. Review status: criteria provided, conflicting classifications (1 of 4 stars). 2 submissions from 2 submitters: Uncertain significance (1); Likely benign (1). Last evaluated 2023-03-23.

Conditions:
Hereditary breast ovarian cancer syndrome. Also called: Hereditary breast and ovarian cancer syndrome (HBOC); Hereditary breast and ovarian cancer syndrome; Breast and ovarian cancer; Hereditary breast and ovarian cancer; Hereditary breast and/or ovarian cancer syndrome; BRCA1- and BRCA2-Associated Hereditary Breast and Ovarian Cancer. Identifiers: Orphanet 145, MedGen C0677776, MeSH D061325, MONDO:0003582. Disease mechanism: loss of function.
Hereditary cancer-predisposing syndrome. Also called: Neoplastic Syndromes, Hereditary; Tumor predisposition; Hereditary neoplastic syndrome; Hereditary Cancer Syndrome. Identifiers: Orphanet 140162, MedGen C0027672, MeSH D009386, MONDO:0015356.

Submissions (2):

University of Washington Department of Laboratory Medicine, University of Washington
Classification: Likely benign for Hereditary cancer-predisposing syndrome. Last evaluated: 2023-03-23. Review status: criteria provided, single submitter. Criteria: Dines et al. (Genet Med. 2020). Collection method: curation. Allele origin: germline.
Comment: Missense variant in a coldspot region where missense variants are very unlikely to be pathogenic (PMID:31911673).

BRCA1 coldspot (exon 11 using historical exon numbering). Reclassification based on statistical prior probability

Labcorp Genetics (formerly Invitae), Labcorp
Classification: Uncertain significance for Hereditary breast ovarian cancer syndrome. Last evaluated: 2018-10-29. Review status: criteria provided, single submitter. Criteria: Invitae Variant Classification Sherloc (09022015). Collection method: clinical testing. Allele origin: germline.
Comment: In summary, the available evidence is currently insufficient to determine the role of this variant in disease. Therefore, it has been classified as a Variant of Uncertain Significance. Algorithms developed to predict the effect of sequence changes on RNA splicing suggest that this variant may create or strengthen a splice site, but this prediction has not been confirmed by published transcriptional studies. Algorithms developed to predict the effect of missense changes on protein structure and function are either unavailable or do not agree on the potential impact of this missense change (SIFT: "Tolerated"; PolyPhen-2: "Possibly Damaging"; Align-GVGD: "Class C0"). This variant has not been reported in the literature in individuals with BRCA1-related disease. This variant is not present in population databases (ExAC no frequency). This sequence change replaces serine with glycine at codon 475 of the BRCA1 protein (p.Ser475Gly). The serine residue is moderately conserved and there is a small physicochemical difference between serine and glycine.

NM_007294.4(BRCA1):c.1423A>G (p.Ser475Gly)

Gene: BRCA1 (BRCA1 DNA repair associated; minus strand). Cytogenetic location: 17q21.31.
Variant type: single nucleotide variant.
Coding change: c.1423A>G on transcript NM_007294.4 (MANE Select); coding-DNA position 1423, A replaced by G.
Protein change: p.Ser475Gly; replaces serine 475 with glycine.
Molecular consequence: missense variant. On other transcripts: intron variant (137).
Genome position (GRCh38, 1-based): chr17:43,094,108, T>C on the plus strand (A>G on the coding strand, the complement: BRCA1 is on the minus strand). VCF-style: chr17-43094108-T-C. GRCh37 (hg19) VCF-style: chr17-41246125-T-C.
Other names: c.1420A>G, p.Ser474Gly (NM_001407634.1, NM_001407635.1, NM_001407636.1 and 22 more transcripts); c.1423A>G, p.Ser475Gly (NM_001407639.1, NM_001407640.1, NM_001407641.1 and 30 more transcripts); c.1345A>G, p.Ser449Gly (NM_001407653.1, NM_001407654.1, NM_001407663.1 and 4 more transcripts); c.1342A>G, p.Ser448Gly (NM_001407662.1, NM_001407659.1, NM_001407660.1 and 1 more transcripts); c.1300A>G, p.Ser434Gly (NM_001407664.1, NM_001407665.1, NM_001407666.1 and 19 more transcripts); c.1297A>G, p.Ser433Gly (NM_001407649.1, NM_001407670.1, NM_001407671.1 and 11 more transcripts); c.1414A>G, p.Ser472Gly (NM_001407646.1, NM_001407647.1); c.1210A>G, p.Ser404Gly (NM_001407571.1, NM_001407853.1, NM_001407894.1 and 9 more transcripts); and 40 more; short protein forms S428G, S475G, S363G, S387G, S405G, S408G, S433G, S448G.
Identifiers: ClinVar variation 661167 (VCV000661167.12), dbSNP rs1064794047, ClinGen allele CA10599201.